The following is an entry in ClinVar:

NM_000238.4(KCNH2):c.1833T>C (p.Tyr611=)

Gene: KCNH2 (potassium voltage-gated channel subfamily H member 2; minus strand). Cytogenetic location: 7q36.1.
Variant type: single nucleotide variant.
Coding change: c.1833T>C on transcript NM_000238.4 (MANE Select); coding-DNA position 1833, T replaced by C.
Protein change: p.Tyr611=; no amino-acid change (tyrosine 611 retained).
Molecular consequence: synonymous variant. On other transcripts: non-coding transcript variant (2).
Genome position (GRCh38, 1-based): chr7:150,951,560, A>G on the plus strand (T>C on the coding strand, the complement: KCNH2 is on the minus strand). VCF-style: chr7-150951560-A-G. GRCh37 (hg19) VCF-style: chr7-150648648-A-G.
Other names: c.813T>C, p.Tyr271= (NM_001204798.2, NM_172057.3); c.1545T>C, p.Tyr515= (NM_001406753.1, NM_001406756.1); c.1656T>C, p.Tyr552= (NM_001406755.1); c.1533T>C, p.Tyr511= (NM_001406757.1); c.1833T>C, p.Tyr611= (NM_172056.3).
Identifiers: ClinVar variation 1086887 (VCV001086887.11), dbSNP rs2116960512, ClinGen allele CA458871506.

ClinVar aggregate classification (germline): Likely benign. Review status: criteria provided, multiple submitters, no conflicts (2 of 4 stars). 2 submissions from 2 submitters: Likely benign (2). Last evaluated 2023-12-13.

Conditions:
Long QT syndrome (LQTS). Identifiers: MedGen C0023976, MeSH D008133, MONDO:0002442. Disease mechanism: loss of function. Inheritance: Various modes of inheritance.

Allele frequency attached by ClinVar (database versions not stated): gnomAD exomes 0.00001.
gnomAD v4.1: 7 of 1,614,194 alleles (0.00043%); highest among the groups gnomAD compares: Non-Finnish European, 0.00059%; no homozygotes.

Submissions (2):

All of Us Research Program, National Institutes of Health
Classification: Likely benign for Long QT syndrome. Last evaluated: 2023-12-13. Review status: criteria provided, single submitter. Criteria: ACMG Guidelines, 2015. Collection method: clinical testing. Allele origin: germline. Inheritance: Autosomal dominant inheritance. Observed: 1 variant allele, 1 heterozygote.
Comment: This study involves interpretation of variants in research participants for the purpose of population health screening. Participant phenotype was not available at the time of variant classification. Additional details can be found in publication PMID: 35346344, PMCID: PMC8962531

Labcorp Genetics (formerly Invitae), Labcorp
Classification: Likely benign for Long QT syndrome. Last evaluated: 2019-09-17. Review status: criteria provided, single submitter. Criteria: Invitae Variant Classification Sherloc (09022015). Collection method: clinical testing. Allele origin: germline.